The following is an entry in ClinVar:

NM_016604.4(KDM3B):c.4999G>A (p.Gly1667Ser)

Gene: KDM3B (lysine demethylase 3B; plus strand). Cytogenetic location: 5q31.2.
Variant type: single nucleotide variant.
Coding change: c.4999G>A on transcript NM_016604.4 (MANE Select); coding-DNA position 4999, G replaced by A.
Protein change: p.Gly1667Ser; replaces glycine 1667 with serine.
Molecular consequence: missense variant.
Genome position (GRCh38, 1-based): chr5:138,430,354, G>A. VCF-style: chr5-138430354-G-A. GRCh37 (hg19) VCF-style: chr5-137766043-G-A.
Other names: c.4999G>A (NM_016604.3); short protein forms G1667S.
Identifiers: ClinVar variation 2839765 (VCV002839765.4), dbSNP rs1051891624, ClinGen allele CA128186707.
Genomic context (GRCh38, chr5:138,430,354, plus strand): 5'-ATTCATGACCAAAGTTGGTACCTGGACCAGACCCTCCGTAAGCGACTCTATGAGGAGTAT[G>A]GCGTGCAAGGCTGGGCTATTGTGCAGTTCCTAGGTGATGCTGTTTTCATACCTGCTGGAG-3'
Protein context (NP_057688.3, residues 1657-1677): TLRKRLYEEY[Gly1667Ser]VQGWAIVQFL

ClinVar aggregate classification (germline): Uncertain significance. Review status: criteria provided, multiple submitters, no conflicts (2 of 4 stars). 2 submissions from 2 submitters: Uncertain significance (2). Last evaluated 2024-06-07.

Conditions:
Inborn genetic diseases. Identifiers: MedGen C0950123, MeSH D030342.

Allele frequency attached by ClinVar (database versions not stated): gnomAD exomes below 0.00001; TOPMed below 0.00001.

Submissions (2):

Ambry Genetics
Classification: Uncertain significance for Inborn genetic diseases. Last evaluated: 2024-06-07. Review status: criteria provided, single submitter. Criteria: Ambry Variant Classification Scheme 2023. Collection method: clinical testing. Allele origin: germline.

Labcorp Genetics (formerly Invitae), Labcorp
Classification: Uncertain significance. Last evaluated: 2023-03-08. Review status: criteria provided, single submitter. Criteria: Invitae Variant Classification Sherloc (09022015). Collection method: clinical testing. Allele origin: germline.
Comment: Advanced modeling of protein sequence and biophysical properties (such as structural, functional, and spatial information, amino acid conservation, physicochemical variation, residue mobility, and thermodynamic stability) performed at Invitae indicates that this missense variant is expected to disrupt KDM3B protein function. In summary, the available evidence is currently insufficient to determine the role of this variant in disease. Therefore, it has been classified as a Variant of Uncertain Significance. This variant has not been reported in the literature in individuals affected with KDM3B-related conditions. This sequence change replaces glycine, which is neutral and non-polar, with serine, which is neutral and polar, at codon 1667 of the KDM3B protein (p.Gly1667Ser). This variant is not present in population databases (gnomAD no frequency).